The following is an entry in ClinVar:

ClinVar aggregate classification (germline): Uncertain significance. Review status: criteria provided, multiple submitters, no conflicts (2 of 4 stars). 2 submissions from 2 submitters: Uncertain significance (2). Last evaluated 2024-10-21.

Conditions:
Multiple congenital exostosis (EXT). Also called: Multiple exostoses; Multiple osteochondromas; MULTIPLE CARTILAGINOUS EXOSTOSES; Hereditary multiple osteochondromas; Hereditary multiple exostoses; Hereditary multiple exostosis. Identifiers: Orphanet 321, MedGen C0015306, MONDO:0005508, HP:0002762.
Chondrosarcoma. Also called: Chondrosarcoma, somatic. Identifiers: Orphanet 55880, MedGen C0008479, MONDO:0008977, OMIM 215300, HP:0006765.

Allele frequency attached by ClinVar (database versions not stated): TOPMed below 0.00001; ExAC 0.00001; gnomAD 0.00001.
gnomAD v4.1: 7 of 1,613,900 alleles (0.00043%); highest among the groups gnomAD compares: Non-Finnish European, 0.00059%; no homozygotes.

Submissions (2):

Labcorp Genetics (formerly Invitae), Labcorp
Classification: Uncertain significance for Multiple congenital exostosis. Last evaluated: 2024-10-21. Review status: criteria provided, single submitter. Criteria: Invitae Variant Classification Sherloc (09022015). Collection method: clinical testing. Allele origin: germline.
Comment: This sequence change replaces lysine, which is basic and polar, with arginine, which is basic and polar, at codon 321 of the EXT1 protein (p.Lys321Arg). This variant is present in population databases (rs779587832, gnomAD 0.0009%). This variant has not been reported in the literature in individuals affected with EXT1-related conditions. ClinVar contains an entry for this variant (Variation ID: 2170647). An algorithm developed to predict the effect of missense changes on protein structure and function (PolyPhen-2) suggests that this variant is likely to be tolerated. In summary, the available evidence is currently insufficient to determine the role of this variant in disease. Therefore, it has been classified as a Variant of Uncertain Significance.

Baylor Genetics
Classification: Uncertain significance for Chondrosarcoma. Last evaluated: 2023-07-14. Review status: criteria provided, single submitter. Criteria: ACMG Guidelines, 2015. Collection method: clinical testing. Allele origin: unknown.

NM_000127.3(EXT1):c.962A>G (p.Lys321Arg)

Gene: EXT1 (exostosin glycosyltransferase 1; minus strand). Cytogenetic location: 8q24.11.
Variant type: single nucleotide variant.
Coding change: c.962A>G on transcript NM_000127.3 (MANE Select); coding-DNA position 962, A replaced by G.
Protein change: p.Lys321Arg; replaces lysine 321 with arginine.
Molecular consequence: missense variant.
Genome position (GRCh38, 1-based): chr8:118,110,085, T>C on the plus strand (A>G on the coding strand, the complement: EXT1 is on the minus strand). VCF-style: chr8-118110085-T-C. GRCh37 (hg19) VCF-style: chr8-119122324-T-C.
Other names: short protein forms K321R.
Identifiers: ClinVar variation 2170647 (VCV002170647.5), dbSNP rs779587832, ClinGen allele CA4854298.